The following is an entry in ClinVar:

ClinVar aggregate classification (germline): Uncertain significance (1 of 4 stars; one submission).

gnomAD v4.1: 1 of 1,609,612 alleles (0.000062%); highest among the groups gnomAD compares: African/African-American, 0.0013%; no homozygotes.

Submission:

Labcorp Genetics (formerly Invitae), Labcorp
Classification: Uncertain significance. Last evaluated: 2025-12-25. Review status: criteria provided, single submitter. Criteria: Invitae Variant Classification Sherloc (09022015). Collection method: clinical testing. Allele origin: germline.
Comment: This sequence change replaces aspartic acid, which is acidic and polar, with asparagine, which is neutral and polar, at codon 1028 of the DIP2C protein (p.Asp1028Asn). This variant is not present in population databases (gnomAD no frequency). This variant has not been reported in the literature in individuals affected with DIP2C-related conditions. ClinVar contains an entry for this variant (Variation ID: 3672207). An algorithm developed to predict the effect of missense changes on protein structure and function (PolyPhen-2) suggests that this variant is likely to be disruptive. In summary, the available evidence is currently insufficient to determine the role of this variant in disease. Therefore, it has been classified as a Variant of Uncertain Significance.

NM_014974.3(DIP2C):c.3082G>A (p.Asp1028Asn)

Gene: DIP2C (DIP2 acetate--CoA ligase C (putative); minus strand). Cytogenetic location: 10p15.3.
Variant type: single nucleotide variant.
Coding change: c.3082G>A on transcript NM_014974.3 (MANE Select); coding-DNA position 3082, G replaced by A.
Protein change: p.Asp1028Asn; replaces aspartic acid 1028 with asparagine.
Molecular consequence: missense variant.
Genome position (GRCh38, 1-based): chr10:349,358, C>T on the plus strand (G>A on the coding strand, the complement: DIP2C is on the minus strand). VCF-style: chr10-349358-C-T. GRCh37 (hg19) VCF-style: chr10-395298-C-T.
Other names: short protein forms D1028N.
Identifiers: ClinVar variation 3672207 (VCV003672207.2).
Genomic context (GRCh38, chr10:349,358, plus strand): 5'-ATCTCTCAGGGGAAGCCCACCCTGCGCCTGTACCTGGGGGGTAGACCAAGGCCACGTGGT[C>T]GCCGTCCTGAAGGTGGCCCCTCTCCATCAGCATCACGGCGATCTTCTCAGCTCTCTTGTG-3'
Protein context (NP_055789.1, residues 1018-1038): LMERGHLQDG[Asp1028Asn]HVALVYPPGI